The following is an entry in ClinVar:

NM_000059.4(BRCA2):c.8485C>A (p.Gln2829Lys)

Gene: BRCA2 (BRCA2 DNA repair associated; plus strand). Cytogenetic location: 13q13.1.
Variant type: single nucleotide variant.
Coding change: c.8485C>A on transcript NM_000059.4 (MANE Select); coding-DNA position 8485, C replaced by A.
Protein change: p.Gln2829Lys; replaces glutamine 2829 with lysine.
Molecular consequence: missense variant.
Genome position (GRCh38, 1-based): chr13:32,370,555, C>A. VCF-style: chr13-32370555-C-A. GRCh37 (hg19) VCF-style: chr13-32944692-C-A.
Other names: short protein forms Q2829K.
Identifiers: ClinVar variation 489789 (VCV000489789.12), dbSNP rs80359099, ClinGen allele CA387752644.

ClinVar aggregate classification (germline): Conflicting classifications of pathogenicity. Review status: criteria provided, conflicting classifications (1 of 4 stars). 4 submissions from 4 submitters: Uncertain significance (3); Likely benign (1). Last evaluated 2025-05-15.

Conditions:
Hereditary breast ovarian cancer syndrome. Also called: Breast and ovarian cancer; Hereditary breast and/or ovarian cancer syndrome; Hereditary breast and ovarian cancer; Hereditary breast and ovarian cancer syndrome (HBOC); BRCA1- and BRCA2-Associated Hereditary Breast and Ovarian Cancer; Hereditary breast and ovarian cancer syndrome. Identifiers: Orphanet 145, MedGen C0677776, MeSH D061325, MONDO:0003582. Disease mechanism: loss of function.
Hereditary cancer-predisposing syndrome. Also called: Hereditary Cancer Syndrome; Neoplastic Syndromes, Hereditary; Tumor predisposition; Hereditary neoplastic syndrome. Identifiers: Orphanet 140162, MedGen C0027672, MeSH D009386, MONDO:0015356.

Submissions (4):

Ambry Genetics
Classification: Likely benign for Hereditary cancer-predisposing syndrome. Last evaluated: 2025-05-15. Review status: criteria provided, single submitter. Criteria: Ambry Variant Classification Scheme 2023. Collection method: clinical testing. Allele origin: germline.

Labcorp Genetics (formerly Invitae), Labcorp
Classification: Uncertain significance for Hereditary breast ovarian cancer syndrome. Last evaluated: 2024-04-02. Review status: criteria provided, single submitter. Criteria: Invitae Variant Classification Sherloc (09022015). Collection method: clinical testing. Allele origin: germline.
Comment: This sequence change replaces glutamine, which is neutral and polar, with lysine, which is basic and polar, at codon 2829 of the BRCA2 protein (p.Gln2829Lys). This variant is not present in population databases (gnomAD no frequency). This missense change has been observed in individual(s) with breast cancer (PMID: 30613976). ClinVar contains an entry for this variant (Variation ID: 489789). An algorithm developed to predict the effect of missense changes on protein structure and function (PolyPhen-2) suggests that this variant is likely to be disruptive. In summary, the available evidence is currently insufficient to determine the role of this variant in disease. Therefore, it has been classified as a Variant of Uncertain Significance.

Color Diagnostics, LLC DBA Color Health
Classification: Uncertain significance for Hereditary cancer-predisposing syndrome. Last evaluated: 2019-06-20. Review status: criteria provided, single submitter. Criteria: ACMG Guidelines, 2015. Collection method: clinical testing. Allele origin: germline.

Women's Health and Genetics/Laboratory Corporation of America, LabCorp
Classification: Uncertain significance. Last evaluated: 2019-04-01. Review status: criteria provided, single submitter. Criteria: LabCorp Variant Classification Summary - May 2015. Collection method: clinical testing. Allele origin: germline.
Comment: Variant summary: BRCA2 c.8485C>A (p.Gln2829Lys) results in a conservative amino acid change in the encoded protein sequence. Three of five in-silico tools predict a damaging effect of the variant on protein function. 5/5 computational tools predict no significant impact on normal splicing. However, these predictions have yet to be confirmed by functional studies. The variant was absent in 246072 control chromosomes (gnomAD). The available data on variant occurrences in the general population are insufficient to allow any conclusion about variant significance. c.8485C>A has been reported in the literature in a study involving individuals affected with male breast cancer (Rizzolo 2008). This report does not provide unequivocal conclusions about association of the variant with Hereditary Breast and Ovarian Cancer. A co-occurrence with a pathogenic variant has been reported in the UMD database (BRCA2 c.3847_3848delGT, p.Val1283fsX2). To our knowledge, no experimental evidence demonstrating an impact on protein function has been reported. A ClinVar submission from a clinical diagnostic laboratory (evaluation after 2014) cites the variant as uncertain significance. Based on the evidence outlined above, the variant was classified as uncertain significance.

Literature cited by the submitters: PubMed 30613976 (cited by Labcorp Genetics (formerly Invitae), Labcorp).